The following is an entry in ClinVar:

NM_004211.5(SLC6A5):c.2322C>T (p.Ile774=)

Gene: SLC6A5 (solute carrier family 6 member 5; plus strand). Cytogenetic location: 11p15.1.
Variant type: single nucleotide variant.
Coding change: c.2322C>T on transcript NM_004211.5 (MANE Select); coding-DNA position 2322, C replaced by T.
Protein change: p.Ile774=; no amino-acid change (isoleucine 774 retained).
Molecular consequence: synonymous variant.
Genome position (GRCh38, 1-based): chr11:20,654,796, C>T. VCF-style: chr11-20654796-C-T. GRCh37 (hg19) VCF-style: chr11-20676342-C-T.
Other names: c.1620C>T, p.Ile540= (NM_001318369.2); c.2322C>T (NM_004211.4).
Identifiers: ClinVar variation 1581277 (VCV001581277.10), dbSNP rs141663413, ClinGen allele CA5921772.
Genomic context (GRCh38, chr11:20,654,796, plus strand): 5'-ACAGCCGGACTGGGGCCCATTCTTAGCTCAACACCGCGGGGAGCGTTACAAGAACATGAT[C>T]GACCCCTTGGGAACCTCTTCCTTGGGACTCAAACTGCCAGTGAAGGATTTGGAACTGGGC-3'
Protein context (NP_004202.4, residues 764-784): QHRGERYKNM[Ile774=]DPLGTSSLGL

ClinVar aggregate classification (germline): Likely benign. Review status: criteria provided, single submitter (1 of 4 stars). 2 submissions from 2 submitters: Likely benign (1). 1 of the submissions does not count toward it. Last evaluated 2026-01-04.

Conditions:
SLC6A5-related disorder. Also called: SLC6A5-related condition.
Hyperekplexia 3 (HKPX3). Also called: HYPEREKPLEXIA 3, AUTOSOMAL RECESSIVE; HYPEREKPLEXIA 3, AUTOSOMAL DOMINANT. Identifiers: Orphanet 3197, MedGen C3553288, MONDO:0013827, OMIM 614618.

Allele frequency attached by ClinVar (database versions not stated): gnomAD exomes 0.00001; ExAC 0.00002; gnomAD 0.00003; TOPMed 0.00003; ESP Exome Variant Server 0.00008.

Submissions (2):

Labcorp Genetics (formerly Invitae), Labcorp
Classification: Likely benign for Hyperekplexia 3. Last evaluated: 2026-01-04. Review status: criteria provided, single submitter. Criteria: Invitae Variant Classification Sherloc (09022015). Collection method: clinical testing. Allele origin: germline.

PreventionGenetics, part of Exact Sciences
Classification: Likely benign for SLC6A5-related condition. Last evaluated: 2019-03-27. Review status: no assertion criteria provided. Collection method: clinical testing. Allele origin: germline. Not counted in ClinVar's aggregate classification.
Comment: This variant is classified as likely benign based on ACMG/AMP sequence variant interpretation guidelines (Richards et al. 2015 PMID: 25741868, with internal and published modifications).